The following is an entry in ClinVar:

ClinVar aggregate classification (germline): Likely benign. Review status: criteria provided, multiple submitters, no conflicts (2 of 4 stars). 3 submissions from 3 submitters: Likely benign (3). Last evaluated 2025-10-11.

Conditions:
Papillary renal cell carcinoma type 1 (RCCP1). Also called: RENAL CELL CARCINOMA, PAPILLARY, 1, SOMATIC; Renal adenocarcinoma; Renal cell carcinoma 1; Renal cell carcinoma, somatic. Identifiers: Orphanet 47044, MedGen C1336839, OMIM 605074, HP:0011797.
Renal cell carcinoma. Identifiers: Orphanet 217071, MedGen C0007134, MeSH D002292, MONDO:0005086, HP:0005584.

Allele frequency attached by ClinVar (database versions not stated): TOPMed below 0.00001; ExAC 0.00001; gnomAD 0.00001.
gnomAD v4.1: 5 of 1,540,542 alleles (0.00032%); highest among the groups gnomAD compares: Non-Finnish European, 0.00036%; no homozygotes.

Submissions (3):

Labcorp Genetics (formerly Invitae), Labcorp
Classification: Likely benign for Renal cell carcinoma. Last evaluated: 2025-10-11. Review status: criteria provided, single submitter. Criteria: Invitae Variant Classification Sherloc (09022015). Collection method: clinical testing. Allele origin: germline.

Myriad Genetics, Inc.
Classification: Likely benign for Papillary renal cell carcinoma type 1. Last evaluated: 2024-11-13. Review status: criteria provided, single submitter. Criteria: Myriad Autosomal Dominant, Autosomal Recessive and X-Linked Classification Criteria (2023). Collection method: clinical testing. Allele origin: unknown.
Comment: This variant is considered likely benign. This variant is intronic and is not expected to impact mRNA splicing.

Blueprint Genetics
Classification: Likely benign. Last evaluated: 2024-11-07. Review status: criteria provided, single submitter. Criteria: ACMG Guidelines, 2015. Collection method: clinical testing. Allele origin: germline.

NM_000245.4(MET):c.3523-14C>T

Gene: MET (MET proto-oncogene, receptor tyrosine kinase; plus strand). Cytogenetic location: 7q31.2.
Variant type: single nucleotide variant.
Coding change: c.3523-14C>T on transcript NM_000245.4 (MANE Select); 14 bases into the intron before coding-DNA position 3523, C replaced by T.
Molecular consequence: intron variant.
Genome position (GRCh38, 1-based): chr7:116,781,974, C>T. VCF-style: chr7-116781974-C-T. GRCh37 (hg19) VCF-style: chr7-116422028-C-T.
Other names: c.3577-14C>T (NM_001127500.3); c.2233-14C>T (NM_001324402.2).
Identifiers: ClinVar variation 1967236 (VCV001967236.7), dbSNP rs765512275, ClinGen allele CA4448742.